The following is an entry in ClinVar:

NM_000548.5(TSC2):c.4005+1G>A

Gene: TSC2 (TSC complex subunit 2; plus strand). Cytogenetic location: 16p13.3.
Variant type: single nucleotide variant.
Coding change: c.4005+1G>A on transcript NM_000548.5 (MANE Select); the canonical splice donor site of the intron after coding-DNA position 4005, G replaced by A.
Molecular consequence: splice donor variant.
Genome position (GRCh38, 1-based): chr16:2,083,817, G>A. VCF-style: chr16-2083817-G-A. GRCh37 (hg19) VCF-style: chr16-2133818-G-A.
Other names: c.4005+1G>A (NM_000548.3); c.2463+1G>A (NM_001406693.1, NM_001406692.1, NM_001406694.1); c.3897+1G>A (NM_001406667.1); c.3894+1G>A (NM_001406668.1); c.3405+1G>A (NM_001406680.1); c.3336+1G>A (NM_001406683.1, NM_001406682.1); c.3204+1G>A (NM_001406687.1, NM_001406688.1); c.2592+1G>A (NM_001406689.1); and 27 more.
Identifiers: ClinVar variation 803154 (VCV000803154.5), dbSNP rs45517324, ClinGen allele CA394297876.
Genomic context (GRCh38, chr16:2,083,817, plus strand): 5'-GGGTTGGAGGACGTTGAGGCAGCGCTAGGCATGGACAGGCGCACGGATGCCTACAGCAGG[G>A]TGAGTGTGGCTCAGAGCCTGGACCCTGCTGACCTCGGGGGGCTCCTTAGGGGAGGCAGGG-3'

ClinVar aggregate classification (germline): Pathogenic. Review status: criteria provided, multiple submitters, no conflicts (2 of 4 stars). 4 submissions from 4 submitters: Pathogenic (3). 1 of the submissions does not count toward it. Last evaluated 2025-03-26.

Conditions:
Tuberous sclerosis 2 (TSC2). Identifiers: Orphanet 805, MedGen C1860707, MONDO:0013199, OMIM 613254.

Submissions (4):

Molecular Pathology, Peter Maccallum Cancer Centre
Classification: Pathogenic for Tuberous sclerosis 2. Last evaluated: 2025-03-26. Review status: criteria provided, single submitter. Criteria: ACMG Guidelines, 2015. Collection method: clinical testing. Allele origin: germline. Inheritance: Autosomal dominant inheritance.

GeneDx
Classification: Pathogenic. Last evaluated: 2024-10-07. Review status: criteria provided, single submitter. Criteria: GeneDx Variant Classification Process June 2021. Collection method: clinical testing. Allele origin: germline. Affected: yes.
Comment: Reported previously in patients with tuberous sclerosis complex (PMID: 35918040, 36232477); Canonical splice site variant predicted to result in a null allele in a gene for which loss of function is a known mechanism of disease; Not observed at significant frequency in large population cohorts (gnomAD); This variant is associated with the following publications: (PMID: 35918040, 36232477)

Mendelics
Classification: Pathogenic for Tuberous sclerosis 2. Last evaluated: 2019-05-28. Review status: criteria provided, single submitter. Criteria: Mendelics Assertion Criteria 2017. Collection method: clinical testing. Allele origin: unknown.

Division of Genomic Medicine, Department of Advanced Medicine, Medical Research Institute, Kanazawa Medical University
Classification: Pathogenic for Tuberous sclerosis 2. Last evaluated: 2020-06-11. Review status: no assertion criteria provided. Collection method: clinical testing. Allele origin: germline. Affected: yes. Observed: 1 variant allele. Not counted in ClinVar's aggregate classification.